The following is an entry in ClinVar:

NM_000535.7(PMS2):c.353G>A (p.Ser118Asn)

Gene: PMS2 (PMS1 homolog 2, mismatch repair system component; minus strand). Cytogenetic location: 7p22.1.
Variant type: single nucleotide variant.
Coding change: c.353G>A on transcript NM_000535.7 (MANE Select); coding-DNA position 353, G replaced by A.
Protein change: p.Ser118Asn; replaces serine 118 with asparagine.
Molecular consequence: missense variant. On other transcripts: 5 prime UTR variant (9), non-coding transcript variant (1), intron variant (2).
Genome position (GRCh38, 1-based): chr7:6,003,690, C>T on the plus strand (G>A on the coding strand, the complement: PMS2 is on the minus strand). VCF-style: chr7-6003690-C-T. GRCh37 (hg19) VCF-style: chr7-6043321-C-T.
Other names: c.353G>A (NM_000535.6); c.-53G>A (NM_001322003.2, NM_001322004.2, NM_001322005.2 and 3 more transcripts); c.353G>A, p.Ser118Asn (NM_001322006.2, NM_001322014.2); c.-532G>A (NM_001322011.2, NM_001322012.2); c.-132G>A (NM_001322015.2); c.35+282G>A (NM_001322008.2, NM_001322007.2); short protein forms S118N.
Identifiers: ClinVar variation 525724 (VCV000525724.18), dbSNP rs1394474494, ClinGen allele CA366744522.
Genomic context (GRCh38, chr7:6,003,690, plus strand): 5'-ATTAATTTTCAGAGAGGTTTCTCTAAGGGGTCAAGTGAGTGGATAAAAATATTGTATCAC[C>T]TCAGTGCACAAAGTGAGCTCAGAGCTTCCCCCCGAAAGCCAAAAGTTTCAACCTGAGTTA-3'
Protein context (NP_000526.2, residues 108-128): GEALSSLCAL[Ser118Asn]DVTISTCHAS

ClinVar aggregate classification (germline): Pathogenic/Likely pathogenic. Review status: criteria provided, multiple submitters, no conflicts (2 of 4 stars). 7 submissions from 7 submitters: Pathogenic (2); Likely pathogenic (2). 3 of the submissions do not count toward it. Last evaluated 2025-12-10.

Conditions:
Hereditary nonpolyposis colorectal neoplasms. Identifiers: MedGen C0009405, MeSH D003123.
Hereditary cancer-predisposing syndrome. Also called: Hereditary neoplastic syndrome; Tumor predisposition; Neoplastic Syndromes, Hereditary; Hereditary Cancer Syndrome. Identifiers: Orphanet 140162, MedGen C0027672, MeSH D009386, MONDO:0015356.
Lynch syndrome 4 (LYNCH4). Also called: Hereditary non-polyposis colorectal cancer, type 4; Colorectal cancer, hereditary nonpolyposis, type 4. Identifiers: Orphanet 144, MedGen C1838333, MONDO:0013699, OMIM 614337. Disease mechanism: loss of function.
Carcinoma of colon (CRC). Also called: Colon carcinoma; Colonic carcinoma. Identifiers: MedGen C0699790, MONDO:0002032.

Allele frequency attached by ClinVar (database versions not stated): gnomAD exomes below 0.00001.
gnomAD v4.1: 2 of 1,532,654 alleles (0.00013%); highest among the groups gnomAD compares: Non-Finnish European, 0.00018%; no homozygotes.

Submissions (7):

Labcorp Genetics (formerly Invitae), Labcorp
Classification: Pathogenic for Hereditary nonpolyposis colorectal neoplasms. Last evaluated: 2025-12-10. Review status: criteria provided, single submitter. Criteria: Invitae Variant Classification Sherloc (09022015). Collection method: clinical testing. Allele origin: germline.
Comment: This sequence change affects codon 118 of the PMS2 mRNA. It is a 'silent' change, meaning that it does not change the encoded amino acid sequence of the PMS2 protein. RNA analysis indicates that this variant induces altered splicing and may result in an absent or altered protein product. This variant is present in population databases (no rsID available, gnomAD 0.0009%). This variant has been observed in individuals with clinical features consistent with Lynch syndrome (PMID: 31992580; internal data). ClinVar contains an entry for this variant (Variation ID: 525724). An algorithm developed to predict the effect of missense changes on protein structure and function (PolyPhen-2) suggests that this variant is likely to be disruptive. Variants that disrupt the consensus splice site are a relatively common cause of aberrant splicing (PMID: 17576681, 9536098). Studies have shown that this variant results in skipping of exon 4, and produces a non-functional protein and/or introduces a premature termination codon (internal data). For these reasons, this variant has been classified as Pathogenic.

Ambry Genetics
Classification: Pathogenic for Hereditary cancer-predisposing syndrome. Last evaluated: 2025-03-10. Review status: criteria provided, single submitter. Criteria: Ambry Variant Classification Scheme 2023. Collection method: clinical testing. Allele origin: germline.
Comment: The c.353G>A pathogenic mutation (also known as p.S118N), located in coding exon 4 of the PMS2 gene, results from a G to A substitution at nucleotide position 353. This change occurs in the last base pair of coding exon 4, which makes it likely to have some effect on normal mRNA splicing. In addition to the splicing impact, this alteration changes the serine residue to an asparagine residue at codon 118, an amino acid with highly similar properties. This variant has been identified in individuals whose Lynch syndrome-associated tumors demonstrated isolated loss of PMS2 staining on immunohistochemistry (Wang Q et al. J Med Genet, 2020 07;57:487-499; Ambry internal data). In one study, coding exon 4 skipping was reported for this variant upon PMS2 transcript analysis using RNA isolated from patient samples (Wang Q et al. J Med Genet, 2020 07;57:487-499). Both the nucleotide and amino acid positions are highly conserved in available vertebrate species. In silico splice site analysis predicts that this alteration will weaken the native splice donor site. RNA studies have demonstrated that this alteration results in abnormal splicing in the set of samples tested (Ambry internal data). This variant is considered to be rare based on population cohorts in the Genome Aggregation Database (gnomAD). In addition, the missense alteration is predicted to be tolerated by in silico analysis. Based on the supporting evidence, this alteration is interpreted as a disease-causing mutation.

Quest Diagnostics Nichols Institute San Juan Capistrano
Classification: Likely pathogenic. Last evaluated: 2024-07-24. Review status: criteria provided, single submitter. Criteria: Quest Diagnostics criteria. Collection method: clinical testing. Allele origin: unknown.
Comment: The PMS2 c.353G>A (p.Ser118Asn) variant has been reported in the published literature in individuals affected with colorectal cancer (PMID: 31992580 (2020), 38311346 (2024)) and breast cancer (PMID: 33471991 (2021), see also LOVD). Assessment of experimental evidence suggests this variant results in abnormal RNA splicing, resulting in premature termination of the protein (PMID: 31992580 (2020), 38311346 (2024)). The frequency of this variant in the general population, 0.0000043 (1/234884 chromosomes (Genome Aggregation Database)), is uninformative in the assessment of its pathogenicity. Analysis of this variant using bioinformatics tools for the prediction of the effect of amino acid changes on protein structure and function yielded conflicting predictions that this variant is deleterious or benign. Based on the available information, this variant is classified as likely pathogenic.

Myriad Genetics, Inc.
Classification: Likely pathogenic for Lynch syndrome 4. Last evaluated: 2023-09-18. Review status: criteria provided, single submitter. Criteria: Myriad Autosomal Dominant, Autosomal Recessive and X-Linked Classification Criteria (2023). Collection method: clinical testing. Allele origin: unknown.
Comment: This variant is considered likely pathogenic. mRNA analysis has demonstrated abnormal mRNA splicing occurs [Myriad internal data].

Clinical Genetics Laboratory, Department of Pathology, Netherlands Cancer Institute
Classification: Pathogenic. Review status: no assertion criteria provided. Collection method: clinical testing. Allele origin: germline. Affected: yes. Study: VKGL Data-share Consensus. Not counted in ClinVar's aggregate classification.

Department of Pathology and Laboratory Medicine, Sinai Health System
Classification: Uncertain significance for Carcinoma of colon. Review status: no assertion criteria provided. Collection method: clinical testing. Allele origin: unknown. Affected: yes. Observed: 1 variant allele. Study: The Canadian Open Genetics Repository (COGR). Not counted in ClinVar's aggregate classification.
Comment: The PMS2 p.Ser118Asn variant was not identified in the literature nor was it identified in the dbSNP, ClinVar, GeneInsight-COGR, COSMIC, MutDB, Insight Colon Cancer Gene Variant Database, Zhejiang Colon Cancer Database, or the Insight Hereditary Tumors Database. The variant was identified in the LOVD Human Mismatch Repair Gene Database (1 entry, pathogenicity unknown). The variant was identified in control databases in 1 of 230230 chromosomes at a frequency of 0.000004 (Genome Aggregation Database Feb 27, 2017). Breakdown of the observations by population include European Non-Finnish in 1 of 107116 chromosomes (freq: 0.000009), while the variant was not observed in the African, Other, Latino, Ashkenazi Jewish, East Asian, European Finnish, and South Asian populations. The p.Ser118Asn residue is conserved in mammals and computational analyses (PolyPhen-2, SIFT, AlignGVGD, BLOSUM, MutationTaster) provide inconsistent predictions regarding the impact to the protein; this information is not very predictive of pathogenicity. The p.Ser118Asn variant occurs in the last three bases of the exon. This position has been shown to be part of the splicing consensus sequence and variants involving this position sometimes affect splicing. In addition, 4 of 5 in silico or computational prediction software programs (SpliceSiteFinder, MaxEntScan, NNSPLICE, GeneSplicer, HumanSpliceFinder) predict a greater than 10% difference in splicing. In summary, based on the above information the clinical significance of this variant cannot be determined with certainty at this time. This variant is classified as a variant of uncertain significance.

Joint Genome Diagnostic Labs from Nijmegen and Maastricht, Radboudumc and MUMC+
Classification: Pathogenic. Review status: no assertion criteria provided. Collection method: clinical testing. Allele origin: germline. Affected: yes. Study: VKGL Data-share Consensus. Not counted in ClinVar's aggregate classification.

Literature cited by the submitters: PubMed 31992580 (cited by 3 submitters); PubMed 17576681 (cited by Labcorp Genetics (formerly Invitae), Labcorp and Quest Diagnostics Nichols Institute San Juan Capistrano); PubMed 9536098 (cited by Labcorp Genetics (formerly Invitae), Labcorp and Quest Diagnostics Nichols Institute San Juan Capistrano); PubMed 33471991 (cited by Quest Diagnostics Nichols Institute San Juan Capistrano); PubMed 38311346 (cited by Quest Diagnostics Nichols Institute San Juan Capistrano).